The following is an entry in ClinVar:

NM_000507.4(FBP1):c.985C>A (p.Leu329Met)

Gene: FBP1 (fructose-bisphosphatase 1; minus strand). Cytogenetic location: 9q22.32.
Variant type: single nucleotide variant.
Coding change: c.985C>A on transcript NM_000507.4 (MANE Select); coding-DNA position 985, C replaced by A.
Protein change: p.Leu329Met; replaces leucine 329 with methionine.
Molecular consequence: missense variant.
Genome position (GRCh38, 1-based): chr9:94,603,413, G>T on the plus strand (C>A on the coding strand, the complement: FBP1 is on the minus strand). VCF-style: chr9-94603413-G-T. GRCh37 (hg19) VCF-style: chr9-97365695-G-T.
Other names: c.985C>A, p.Leu329Met (NM_001127628.2); short protein forms L329M.
Identifiers: ClinVar variation 1482254 (VCV001482254.8), dbSNP rs2131469421, ClinGen allele CA374105621.

ClinVar aggregate classification (germline): Uncertain significance (1 of 4 stars; one submission).

Conditions:
Fructose-biphosphatase deficiency (FBP1D). Also called: Fructose-1,6-Diphosphatase Deficiency; Fructose 1,6 Bisphosphatase Deficiency; Fructose-1,6-Bisphosphatase 1 Deficiency. Identifiers: Orphanet 348, MedGen C0016756, MONDO:0009251, OMIM 229700.

Submission:

Labcorp Genetics (formerly Invitae), Labcorp
Classification: Uncertain significance for Fructose-biphosphatase deficiency. Last evaluated: 2025-09-15. Review status: criteria provided, single submitter. Criteria: Invitae Variant Classification Sherloc (09022015). Collection method: clinical testing. Allele origin: germline.
Comment: This sequence change replaces leucine, which is neutral and non-polar, with methionine, which is neutral and non-polar, at codon 329 of the FBP1 protein (p.Leu329Met). This variant is not present in population databases (gnomAD no frequency). This variant has not been reported in the literature in individuals affected with FBP1-related conditions. ClinVar contains an entry for this variant (Variation ID: 1482254). Invitae Evidence Modeling of protein sequence and biophysical properties (such as structural, functional, and spatial information, amino acid conservation, physicochemical variation, residue mobility, and thermodynamic stability) indicates that this missense variant is not expected to disrupt FBP1 protein function with a negative predictive value of 95%. This variant disrupts the p.Leu329 amino acid residue in FBP1. Other variant(s) that disrupt this residue have been determined to be pathogenic (PMID: 25601412, 29016355, 29774539, 30858132). This suggests that this residue is clinically significant, and that variants that disrupt this residue are likely to be disease-causing. In summary, the available evidence is currently insufficient to determine the role of this variant in disease. Therefore, it has been classified as a Variant of Uncertain Significance.

Literature cited by the submitters: PubMed 25601412; PubMed 29016355; PubMed 29774539; PubMed 30858132.